The following is an entry in ClinVar:

ClinVar aggregate classification (germline): Likely benign. Review status: criteria provided, single submitter (1 of 4 stars). 2 submissions from 2 submitters: Likely benign (1). 1 of the submissions does not count toward it. Last evaluated 2025-01-06.

Conditions:
Kleefstra syndrome 1 (KLEFS1). Identifiers: Orphanet 261494, MedGen C0795833, MONDO:0027407, OMIM 610253.
EHMT1-related disorder. Also called: EHMT1-related condition.

Allele frequency attached by ClinVar (database versions not stated): TOPMed 0.00001; gnomAD 0.00001; ExAC 0.00002.
gnomAD v4.1: 16 of 1,613,980 alleles (0.00099%); highest among the groups gnomAD compares: South Asian, 0.0055%; no homozygotes.

Submissions (2):

Labcorp Genetics (formerly Invitae), Labcorp
Classification: Likely benign for Kleefstra syndrome 1. Last evaluated: 2025-01-06. Review status: criteria provided, single submitter. Criteria: Invitae Variant Classification Sherloc (09022015). Collection method: clinical testing. Allele origin: germline.

PreventionGenetics, part of Exact Sciences
Classification: Likely benign for EHMT1-related condition. Last evaluated: 2022-08-17. Review status: no assertion criteria provided. Collection method: clinical testing. Allele origin: germline. Not counted in ClinVar's aggregate classification.
Comment: This variant is classified as likely benign based on ACMG/AMP sequence variant interpretation guidelines (Richards et al. 2015 PMID: 25741868, with internal and published modifications).

NM_024757.5(EHMT1):c.1104C>T (p.Ala368=)

Gene: EHMT1 (euchromatic histone lysine methyltransferase 1; plus strand). Cytogenetic location: 9q34.3.
Variant type: single nucleotide variant.
Coding change: c.1104C>T on transcript NM_024757.5 (MANE Select); coding-DNA position 1104, C replaced by T.
Protein change: p.Ala368=; no amino-acid change (alanine 368 retained).
Molecular consequence: synonymous variant.
Genome position (GRCh38, 1-based): chr9:137,744,024, C>T. VCF-style: chr9-137744024-C-T. GRCh37 (hg19) VCF-style: chr9-140638476-C-T.
Other names: c.1104C>T, p.Ala368= (NM_001145527.2, NM_001354611.2); c.1011C>T, p.Ala337= (NM_001354259.2, NM_001354612.2); c.1083C>T, p.Ala361= (NM_001354263.2); c.1104C>T (NM_024757.4).
Identifiers: ClinVar variation 1096006 (VCV001096006.11), dbSNP rs757380936, ClinGen allele CA5374500.